The following is an entry in ClinVar:

NM_000059.4(BRCA2):c.7177A>G (p.Met2393Val)

Gene: BRCA2 (BRCA2 DNA repair associated; plus strand). Cytogenetic location: 13q13.1.
Variant type: single nucleotide variant.
Coding change: c.7177A>G on transcript NM_000059.4 (MANE Select); coding-DNA position 7177, A replaced by G.
Protein change: p.Met2393Val; replaces methionine 2393 with valine.
Molecular consequence: missense variant.
Genome position (GRCh38, 1-based): chr13:32,355,030, A>G. VCF-style: chr13-32355030-A-G. GRCh37 (hg19) VCF-style: chr13-32929167-A-G.
Other names: short protein forms M2393V.
Identifiers: ClinVar variation 52277 (VCV000052277.27), dbSNP rs80358945, ClinGen allele CA024924.
Genomic context (GRCh38, chr13:32,355,030, plus strand): 5'-AGCAATTTAGCAGTTTCAGGACATCCATTTTATCAAGTTTCTGCTACAAGAAATGAAAAA[A>G]TGAGACACTTGATTACTACAGGCAGACCAACCAAAGTCTTTGTTCCACCTTTTAAAACTA-3'
Protein context (NP_000050.3, residues 2383-2403): YQVSATRNEK[Met2393Val]RHLITTGRPT

ClinVar aggregate classification (germline): Uncertain significance. Review status: criteria provided, multiple submitters, no conflicts (2 of 4 stars). 8 submissions from 8 submitters: Uncertain significance (6). 2 of the submissions do not count toward it. Last evaluated 2025-09-22.

Conditions:
Hereditary breast ovarian cancer syndrome. Also called: Hereditary breast and ovarian cancer syndrome; Hereditary breast and ovarian cancer; Hereditary breast and ovarian cancer syndrome (HBOC); Breast and ovarian cancer; Hereditary breast and/or ovarian cancer syndrome; BRCA1- and BRCA2-Associated Hereditary Breast and Ovarian Cancer. Identifiers: Orphanet 145, MedGen C0677776, MeSH D061325, MONDO:0003582. Disease mechanism: loss of function.
Hereditary cancer-predisposing syndrome. Also called: Neoplastic Syndromes, Hereditary; Tumor predisposition; Hereditary neoplastic syndrome; Hereditary Cancer Syndrome. Identifiers: Orphanet 140162, MedGen C0027672, MeSH D009386, MONDO:0015356.
Breast-ovarian cancer, familial, susceptibility to, 2 (BROVCA2). Also called: BRCA2 Hereditary Breast and Ovarian Cancer. Identifiers: Orphanet 145, MedGen C2675520, MONDO:0012933, OMIM 612555. Disease mechanism: loss of function.

Allele frequency attached by ClinVar (database versions not stated): gnomAD exomes below 0.00001 and 0.00001; TOPMed below 0.00001; ExAC 0.00001.
gnomAD v4.1: 5 of 1,614,072 alleles (0.00031%); highest among the groups gnomAD compares: Middle Eastern, 0.017%; no homozygotes.

Submissions (8):

Labcorp Genetics (formerly Invitae), Labcorp
Classification: Uncertain significance for Hereditary breast ovarian cancer syndrome. Last evaluated: 2025-09-22. Review status: criteria provided, single submitter. Criteria: Invitae Variant Classification Sherloc (09022015). Collection method: clinical testing. Allele origin: germline.
Comment: This sequence change replaces methionine, which is neutral and non-polar, with valine, which is neutral and non-polar, at codon 2393 of the BRCA2 protein (p.Met2393Val). This variant is present in population databases (rs80358945, gnomAD 0.003%). This missense change has been observed in individual(s) with clinical features of BRCA2-related conditions (PMID: 10923033). ClinVar contains an entry for this variant (Variation ID: 52277). Invitae Evidence Modeling of protein sequence and biophysical properties (such as structural, functional, and spatial information, amino acid conservation, physicochemical variation, residue mobility, and thermodynamic stability) indicates that this missense variant is not expected to disrupt BRCA2 protein function with a negative predictive value of 95%. RNA analysis performed to evaluate the impact of this missense change on mRNA splicing indicates it does not significantly alter splicing (internal data). In summary, the available evidence is currently insufficient to determine the role of this variant in disease. Therefore, it has been classified as a Variant of Uncertain Significance.

Ambry Genetics
Classification: Uncertain significance for Hereditary cancer-predisposing syndrome. Last evaluated: 2025-03-19. Review status: criteria provided, single submitter. Criteria: Ambry Variant Classification Scheme 2023. Collection method: clinical testing. Allele origin: germline.
Comment: The p.M2393V variant (also known as c.7177A>G), located in coding exon 13 of the BRCA2 gene, results from an A to G substitution at nucleotide position 7177. The methionine at codon 2393 is replaced by valine, an amino acid with highly similar properties. This amino acid position is poorly conserved in available vertebrate species. This alteration has been shown to result in low-level aberrant RNA splicing (Fraile-Bethencourt E et al. Front Genet, 2019 May;10:503). RNA studies have demonstrated that this alteration does not result in abnormal splicing in the set of samples tested (Ambry internal data). In addition, this alteration is predicted to be tolerated by protein in silico analysis. Based on the available evidence, the clinical significance of this variant remains unclear.

Quest Diagnostics Nichols Institute San Juan Capistrano
Classification: Uncertain significance. Last evaluated: 2024-11-18. Review status: criteria provided, single submitter. Criteria: Quest Diagnostics criteria. Collection method: clinical testing. Allele origin: unknown.
Comment: The BRCA2 c.7177A>G (p.Met2393Val) variant has been reported in the published literature in a screen of high-risk breast and/or ovarian cancer families (PMID: 22476429 (2012)) as well as in a reportedly healthy individual (PMID: 33471991 (2021), see also LOVD). A minigene splicing study has shown that this variant results in aberrant splicing. However, these aberrant transcripts are expressed at a very low level and the predominant transcript expressed is the full length BRCA2 transcript (PMID: 31191615 (2019)). The frequency of this variant in the general population, 0.000008 (2/251284 chromosomes (Genome Aggregation Database)), is uninformative in the assessment of its pathogenicity. Analysis of this variant using bioinformatics tools for the prediction of the effect of amino acid changes on protein structure and function yielded predictions that this variant is benign. Based on the available information, we are unable to determine the clinical significance of this variant.

All of Us Research Program, National Institutes of Health
Classification: Uncertain significance for Breast-ovarian cancer, familial, susceptibility to, 2. Last evaluated: 2023-05-16. Review status: criteria provided, single submitter. Criteria: ACMG Guidelines, 2015. Collection method: clinical testing. Allele origin: germline. Inheritance: Autosomal dominant inheritance. Observed: 1 variant allele, 1 heterozygote.
Comment: This missense variant replaces methionine with valine at codon 2393 of the BRCA2 protein. Computational prediction suggests that this variant may not impact protein structure and function (internally defined REVEL score threshold <= 0.5, PMID: 27666373). Splice site prediction tools suggest that this variant may impact RNA splicing by the creation of a new donor site, however this effect on splicing appears to affect less than 5% of transcripts (PMID 31191615). To our knowledge, protein functional studies have not been performed for this variant. This variant has been reported in a multifactorial analysis with co-occurrence and family history likelihood ratios for pathogenicity of 1.0499 and 0.4781, respectively (PMID: 31131967). This variant has been identified in 2/251284 chromosomes in the general population by the Genome Aggregation Database (gnomAD). The available evidence is insufficient to determine the role of this variant in disease conclusively. Therefore, this variant is classified as a Variant of Uncertain Significance.

This study involves interpretation of variants in research participants for the purpose of population health screening. Participant phenotype was not available at the time of variant classification. Additional details can be found in publication PMID: 35346344, PMCID: PMC8962531

Color Diagnostics, LLC DBA Color Health
Classification: Uncertain significance for Hereditary cancer-predisposing syndrome. Last evaluated: 2023-05-01. Review status: criteria provided, single submitter. Criteria: ACMG Guidelines, 2015. Collection method: clinical testing. Allele origin: germline.
Comment: This missense variant replaces methionine with valine at codon 2393 of the BRCA2 protein. Computational prediction suggests that this variant may not impact protein structure and function (internally defined REVEL score threshold <= 0.5, PMID: 27666373). Splice site prediction tools suggest that this variant may impact RNA splicing by the creation of a new donor site, however this effect on splicing appears to affect less than 5% of transcripts (PMID 31191615). To our knowledge, protein functional studies have not been performed for this variant. This variant has been reported in a multifactorial analysis with co-occurrence and family history likelihood ratios for pathogenicity of 1.0499 and 0.4781, respectively (PMID: 31131967). This variant has been identified in 2/251284 chromosomes in the general population by the Genome Aggregation Database (gnomAD). The available evidence is insufficient to determine the role of this variant in disease conclusively. Therefore, this variant is classified as a Variant of Uncertain Significance.

GeneDx
Classification: Uncertain significance. Last evaluated: 2023-01-11. Review status: criteria provided, single submitter. Criteria: GeneDx Variant Classification Process June 2021. Collection method: clinical testing. Allele origin: germline. Affected: yes.
Comment: Not observed at significant frequency in large population cohorts (gnomAD); In silico analysis supports that this missense variant does not alter protein structure/function; In silico analysis suggests this variant may impact gene splicing; Published minigene assay demonstrated this variant to have a weak impact on splicing resulting in about 5% aberrant transcript; however, the predominant transcript produced was full-length (Fraile-Bethencourt et al., 2019); Observed in an individual with breast cancer and a family history of breast and/or ovarian cancer (Lu et al., 2012); Also known as 7405A>G; This variant is associated with the following publications: (PMID: 21523855, 31191615, 22476429)

Sharing Clinical Reports Project (SCRP)
Classification: Uncertain significance for Breast-ovarian cancer, familial 2. Last evaluated: 2009-10-27. Review status: no assertion criteria provided. Collection method: clinical testing. Allele origin: germline. Not counted in ClinVar's aggregate classification.

Breast Cancer Information Core (BIC) (BRCA2)
Classification: Uncertain significance for Breast-ovarian cancer, familial 2. Last evaluated: 2001-10-29. Review status: no assertion criteria provided. Collection method: clinical testing. Allele origin: germline. Affected: yes. Observed: 1 variant allele. Not counted in ClinVar's aggregate classification.

Literature cited by the submitters: PubMed 10923033 (cited by Labcorp Genetics (formerly Invitae), Labcorp); PubMed 31191615 (cited by 3 submitters); PubMed 22476429 (cited by Quest Diagnostics Nichols Institute San Juan Capistrano); PubMed 33471991 (cited by Quest Diagnostics Nichols Institute San Juan Capistrano); PubMed 31131967 (cited by 3 submitters); PubMed 31853058 (cited by Quest Diagnostics Nichols Institute San Juan Capistrano).